The following is an entry in ClinVar:

NM_031844.3(HNRNPU):c.1807G>A (p.Ala603Thr)

Gene: HNRNPU (heterogeneous nuclear ribonucleoprotein U; minus strand). Cytogenetic location: 1q44.
Variant type: single nucleotide variant.
Coding change: c.1807G>A on transcript NM_031844.3 (MANE Select); coding-DNA position 1807, G replaced by A.
Protein change: p.Ala603Thr; replaces alanine 603 with threonine.
Molecular consequence: missense variant.
Genome position (GRCh38, 1-based): chr1:244,856,562, C>T on the plus strand (G>A on the coding strand, the complement: HNRNPU is on the minus strand). VCF-style: chr1-244856562-C-T. GRCh37 (hg19) VCF-style: chr1-245019864-C-T.
Other names: c.1750G>A, p.Ala584Thr (NM_004501.3); short protein forms A603T, A584T.
Identifiers: ClinVar variation 2042325 (VCV002042325.4), dbSNP rs2527505668, ClinGen allele CA345489269.

ClinVar aggregate classification (germline): Pathogenic (1 of 4 stars; one submission).

Conditions:
Developmental and epileptic encephalopathy, 54. Also called: HNRNPU-Related Neurodevelopmental Disorder; Epileptic encephalopathy, early infantile, 54. Identifiers: MedGen C4479319, MONDO:0033363, OMIM 617391.

Submission:

Labcorp Genetics (formerly Invitae), Labcorp
Classification: Pathogenic for Developmental and epileptic encephalopathy, 54. Last evaluated: 2022-11-28. Review status: criteria provided, single submitter. Criteria: Invitae Variant Classification Sherloc (09022015). Collection method: clinical testing. Allele origin: germline.
Comment: This sequence change replaces alanine, which is neutral and non-polar, with threonine, which is neutral and polar, at codon 603 of the HNRNPU protein (p.Ala603Thr). This variant is not present in population databases (gnomAD no frequency). This missense change has been observed in individual(s) with clinical features of HNRNPU-related conditions (Invitae). In at least one individual the variant was observed to be de novo. Advanced modeling of protein sequence and biophysical properties (such as structural, functional, and spatial information, amino acid conservation, physicochemical variation, residue mobility, and thermodynamic stability) performed at Invitae indicates that this missense variant is expected to disrupt HNRNPU protein function. For these reasons, this variant has been classified as Pathogenic.